The following is an entry in ClinVar:

NM_001354435.2(C4orf54):c.3903G>A (p.Gly1301=)

Gene: C4orf54 (chromosome 4 open reading frame 54; minus strand). Cytogenetic location: 4q23.
Variant type: single nucleotide variant.
Coding change: c.3903G>A on transcript NM_001354435.2 (MANE Select); coding-DNA position 3903, G replaced by A.
Protein change: p.Gly1301=; no amino-acid change (glycine 1301 retained).
Molecular consequence: synonymous variant.
Genome position (GRCh38, 1-based): chr4:99,650,746, C>T on the plus strand (G>A on the coding strand, the complement: C4orf54 is on the minus strand). VCF-style: chr4-99650746-C-T. GRCh37 (hg19) VCF-style: chr4-100571903-C-T.
Identifiers: ClinVar variation 2654971 (VCV002654971.24), dbSNP rs1337367427, ClinGen allele CA440507595.

ClinVar aggregate classification (germline): Likely benign (1 of 4 stars; one submission).

Allele frequency attached by ClinVar (database versions not stated): gnomAD exomes below 0.00001; TOPMed below 0.00001.
gnomAD v4.1: 2 of 1,536,200 alleles (0.00013%); highest among the groups gnomAD compares: East Asian, 0.0024%; no homozygotes.

Submission:

CeGaT Center for Human Genetics Tuebingen
Classification: Likely benign. Last evaluated: 2022-05-01. Review status: criteria provided, single submitter. Criteria: CeGaT Center For Human Genetics Tuebingen Variant Classification Criteria Version 2. Collection method: clinical testing. Allele origin: germline. Affected: yes. Observed: 1 variant allele.
Comment: C4orf54: BP4, BP7